The following is an entry in ClinVar:

ClinVar aggregate classification (germline): Uncertain significance (1 of 4 stars; one submission).

Submission:

Labcorp Genetics (formerly Invitae), Labcorp
Classification: Uncertain significance. Last evaluated: 2022-01-14. Review status: criteria provided, single submitter. Criteria: Invitae Variant Classification Sherloc (09022015). Collection method: clinical testing. Allele origin: germline.
Comment: This sequence change replaces aspartic acid, which is acidic and polar, with tyrosine, which is neutral and polar, at codon 1883 of the RP1 protein (p.Asp1883Tyr). This variant is not present in population databases (gnomAD no frequency). This variant has not been reported in the literature in individuals affected with RP1-related conditions. ClinVar contains an entry for this variant (Variation ID: 1011580). Algorithms developed to predict the effect of missense changes on protein structure and function are either unavailable or do not agree on the potential impact of this missense change (SIFT: "Deleterious"; PolyPhen-2: "Possibly Damaging"; Align-GVGD: "Class C0"). In summary, the available evidence is currently insufficient to determine the role of this variant in disease. Therefore, it has been classified as a Variant of Uncertain Significance.

NM_006269.2(RP1):c.5647G>T (p.Asp1883Tyr)

Genes: RP1 (RP1 axonemal microtubule associated; plus strand), LOC126860392 (CDK7 strongly-dependent group 2 enhancer GRCh37_chr8:55541319-55542518; plus strand). Cytogenetic location: 8q12.1.
Variant type: single nucleotide variant.
Coding change: c.5647G>T on transcript NM_006269.2 (MANE Select); coding-DNA position 5647, G replaced by T.
Protein change: p.Asp1883Tyr; replaces aspartic acid 1883 with tyrosine.
Molecular consequence: missense variant. On other transcripts: intron variant (1).
Genome position (GRCh38, 1-based): chr8:54,629,529, G>T. VCF-style: chr8-54629529-G-T. GRCh37 (hg19) VCF-style: chr8-55542089-G-T.
Other names: c.787+7241G>T (NM_001375654.1); short protein forms D1883Y.
Identifiers: ClinVar variation 1011580 (VCV001011580.11), dbSNP rs1806188529, ClinGen allele CA370987529.